The following is an entry in ClinVar:

ClinVar aggregate classification (germline): Uncertain significance (1 of 4 stars; one submission).

gnomAD v4.1: 1 of 1,600,686 alleles (0.000062%); no homozygotes.

Submission:

Labcorp Genetics (formerly Invitae), Labcorp
Classification: Uncertain significance. Last evaluated: 2025-01-27. Review status: criteria provided, single submitter. Criteria: Invitae Variant Classification Sherloc (09022015). Collection method: clinical testing. Allele origin: germline.
Comment: This sequence change replaces glycine, which is neutral and non-polar, with valine, which is neutral and non-polar, at codon 344 of the NARS2 protein (p.Gly344Val). This variant is not present in population databases (gnomAD no frequency). This variant has not been reported in the literature in individuals affected with NARS2-related conditions. ClinVar contains an entry for this variant (Variation ID: 2006519). Invitae Evidence Modeling of protein sequence and biophysical properties (such as structural, functional, and spatial information, amino acid conservation, physicochemical variation, residue mobility, and thermodynamic stability) has been performed for this missense variant. However, the output from this modeling did not meet the statistical confidence thresholds required to predict the impact of this variant on NARS2 protein function. In summary, the available evidence is currently insufficient to determine the role of this variant in disease. Therefore, it has been classified as a Variant of Uncertain Significance.

NM_024678.6(NARS2):c.1031G>T (p.Gly344Val)

Gene: NARS2 (asparaginyl-tRNA synthetase 2, mitochondrial; minus strand). Cytogenetic location: 11q14.1.
Variant type: single nucleotide variant.
Coding change: c.1031G>T on transcript NM_024678.6 (MANE Select); coding-DNA position 1031, G replaced by T.
Protein change: p.Gly344Val; replaces glycine 344 with valine.
Molecular consequence: missense variant.
Genome position (GRCh38, 1-based): chr11:78,466,009, C>A on the plus strand (G>T on the coding strand, the complement: NARS2 is on the minus strand). VCF-style: chr11-78466009-C-A. GRCh37 (hg19) VCF-style: chr11-78177055-C-A.
Other names: c.350G>T, p.Gly117Val (NM_001243251.2); short protein forms G117V, G344V.
Identifiers: ClinVar variation 2006519 (VCV002006519.4), dbSNP rs915521643, ClinGen allele CA225100224.
Genomic context (GRCh38, chr11:78,466,009, plus strand): 5'-ACAGGTATGTTGCCACAGTGCTTCACCAGGTACTTTTCATGTTCAGTCCGTAGGTCAGCA[C>A]CCCACTGTAATGAGAAGAAAGAAATGACCAAAAGAGGAGACAGAGGTGAAATATACAATT-3'
Protein context (NP_078954.4, residues 334-354): SQNFTFTPEW[Gly344Val]ADLRTEHEKY